The following is an entry in ClinVar:

NM_000383.4(AIRE):c.1066dup (p.Arg356fs)

Gene: AIRE (autoimmune regulator; plus strand). Cytogenetic location: 21q22.3.
Variant type: Duplication.
Coding change: c.1066dup on transcript NM_000383.4 (MANE Select); coding-DNA position 1066, one base duplicated (C; older notation c.1066dupC).
Protein change: p.Arg356fs; shifts the reading frame from arginine 356.
Molecular consequence: frameshift variant.
Genome position (GRCh38, 1-based): chr21:44,292,372, C duplicated; the last of 4 consecutive C bases (chr21:44,292,369-44,292,372); duplicating any one gives the same sequence. VCF-style (leftmost placement, unchanged base first): chr21-44292368-G-GC. GRCh37 (hg19) VCF-style: chr21-45712251-G-GC.
Other names: c.1066dupC (NM_000383.3); short protein forms R356fs.
Identifiers: ClinVar variation 551864 (VCV000551864.5), dbSNP rs1555872879, ClinGen allele CA658824362.
Genomic context (GRCh38, chr21:44,292,368, plus strand): 5'-CTGGAGGTGCTCCAGCTGCCTGCAGGCAACAGTCCAGGAGGTGCAGCCCCGGGCAGAGGA[G>GC]CCCCGGCCCCAGGAGCCACCCGTGGAGACCCCGGTATGGCCACGCCCCCTCCTAGCCGGG-3'

ClinVar aggregate classification (germline): Pathogenic. Review status: criteria provided, single submitter (1 of 4 stars). 2 submissions from 2 submitters: Pathogenic (1). 1 of the submissions does not count toward it. Last evaluated 2024-04-11.

Conditions:
Polyglandular autoimmune syndrome, type 1 (APS1). Also called: APS I; HYPOADRENOCORTICISM WITH HYPOPARATHYROIDISM AND SUPERFICIAL MONILIASIS; AUTOIMMUNE POLYENDOCRINE SYNDROME, TYPE I, WITH OR WITHOUT REVERSIBLE METAPHYSEAL DYSPLASIA; Whitaker syndrome; Autoimmune polyendocrinopathy syndrome, type I; PGA I. Identifiers: Orphanet 3453, MedGen C0085859, MONDO:0009411, OMIM 240300.

Submissions (2):

Labcorp Genetics (formerly Invitae), Labcorp
Classification: Pathogenic for Polyglandular autoimmune syndrome, type 1. Last evaluated: 2024-04-11. Review status: criteria provided, single submitter. Criteria: Invitae Variant Classification Sherloc (09022015). Collection method: clinical testing. Allele origin: germline.
Comment: This sequence change creates a premature translational stop signal (p.Arg356Profs*16) in the AIRE gene. It is expected to result in an absent or disrupted protein product. Loss-of-function variants in AIRE are known to be pathogenic (PMID: 11524731, 26141571). This variant is not present in population databases (gnomAD no frequency). This variant has not been reported in the literature in individuals affected with AIRE-related conditions. ClinVar contains an entry for this variant (Variation ID: 551864). For these reasons, this variant has been classified as Pathogenic.

Counsyl
Classification: Likely pathogenic for Polyglandular autoimmune syndrome, type 1. Last evaluated: 2017-05-10. Review status: no assertion criteria provided. Collection method: clinical testing. Allele origin: unknown. Not counted in ClinVar's aggregate classification.

Literature cited by the submitters: PubMed 11524731 (cited by Labcorp Genetics (formerly Invitae), Labcorp); PubMed 26141571 (cited by Labcorp Genetics (formerly Invitae), Labcorp).